The following is an entry in ClinVar:

NM_003002.4(SDHD):c.315-1696G>C

Gene: SDHD (succinate dehydrogenase complex subunit D; plus strand). Cytogenetic location: 11q23.1.
Variant type: single nucleotide variant.
Coding change: c.315-1696G>C on transcript NM_003002.4 (MANE Select); 1696 bases into the intron before coding-DNA position 315, G replaced by C.
Molecular consequence: intron variant. On other transcripts: missense variant (1).
Genome position (GRCh38, 1-based): chr11:112,093,109, G>C. VCF-style: chr11-112093109-G-C. GRCh37 (hg19) VCF-style: chr11-111963833-G-C.
Other names: c.344G>C, p.Arg115Pro (NM_001276506.2); c.170-1696G>C (NM_001276503.2); c.198-1696G>C (NM_001276504.2); short protein forms R115P.
Identifiers: ClinVar variation 2628790 (VCV002628790.1), dbSNP rs759717783, ClinGen allele CA382617871.

ClinVar aggregate classification (germline): Uncertain significance (1 of 4 stars; one submission).

Conditions:
SDHD-related disorder. Also called: SDHD-related condition.

gnomAD v4.1: 4 of 359,890 alleles (0.0011%); highest among the groups gnomAD compares: African/African-American, 0.0094%; no homozygotes.

Submission:

PreventionGenetics, part of Exact Sciences
Classification: Uncertain significance for SDHD-related condition. Last evaluated: 2023-09-03. Review status: criteria provided, single submitter. Criteria: ACMG Guidelines, 2015. Collection method: clinical testing. Allele origin: germline.
Comment: The SDHD c.344G>C variant is predicted to result in the amino acid substitution p.Arg115Pro. To our knowledge, this variant has not been reported in the literature. This variant is reported in 0.012% of alleles in individuals of African descent in gnomAD. At this time, the clinical significance of this variant is uncertain due to the absence of conclusive functional and genetic evidence.